The following is an entry in ClinVar:

ClinVar aggregate classification (germline): Uncertain significance. Review status: criteria provided, multiple submitters, no conflicts (2 of 4 stars). 2 submissions from 2 submitters: Uncertain significance (2). Last evaluated 2025-12-23.

Allele frequency attached by ClinVar (database versions not stated): gnomAD 0.00004; gnomAD exomes 0.00004; TOPMed 0.00004; ExAC 0.00006; ESP Exome Variant Server 0.00008.
gnomAD v4.1: 59 of 1,611,908 alleles (0.0037%); highest among the groups gnomAD compares: Middle Eastern, 0.039%; no homozygotes.

Submissions (2):

Labcorp Genetics (formerly Invitae), Labcorp
Classification: Uncertain significance. Last evaluated: 2025-12-23. Review status: criteria provided, single submitter. Criteria: Invitae Variant Classification Sherloc (09022015). Collection method: clinical testing. Allele origin: germline.
Comment: This sequence change replaces leucine, which is neutral and non-polar, with valine, which is neutral and non-polar, at codon 449 of the DLST protein (p.Leu449Val). This variant is present in population databases (rs140969101, gnomAD 0.01%). This variant has not been reported in the literature in individuals affected with DLST-related conditions. ClinVar contains an entry for this variant (Variation ID: 2465419). Invitae Evidence Modeling of protein sequence and biophysical properties (such as structural, functional, and spatial information, amino acid conservation, physicochemical variation, residue mobility, and thermodynamic stability) indicates that this missense variant is not expected to disrupt DLST protein function with a negative predictive value of 80%. In summary, the available evidence is currently insufficient to determine the role of this variant in disease. Therefore, it has been classified as a Variant of Uncertain Significance.

Ambry Genetics
Classification: Uncertain significance. Last evaluated: 2023-02-23. Review status: criteria provided, single submitter. Criteria: Ambry Variant Classification Scheme 2023. Collection method: clinical testing. Allele origin: germline.

NM_001933.5(DLST):c.1345C>G (p.Leu449Val)

Gene: DLST (dihydrolipoamide S-succinyltransferase; plus strand). Cytogenetic location: 14q24.3.
Variant type: single nucleotide variant.
Coding change: c.1345C>G on transcript NM_001933.5 (MANE Select); coding-DNA position 1345, C replaced by G.
Protein change: p.Leu449Val; replaces leucine 449 with valine.
Molecular consequence: missense variant. On other transcripts: non-coding transcript variant (2).
Genome position (GRCh38, 1-based): chr14:74,902,313, C>G. VCF-style: chr14-74902313-C-G. GRCh37 (hg19) VCF-style: chr14-75369016-C-G.
Other names: short protein forms L449V.
Identifiers: ClinVar variation 2465419 (VCV002465419.3), dbSNP rs140969101, ClinGen allele CA7273798.